The following is an entry in ClinVar:

ClinVar aggregate classification (germline): Likely pathogenic. Review status: criteria provided, multiple submitters, no conflicts (2 of 4 stars). 2 submissions from 2 submitters: Likely pathogenic (2). Last evaluated 2026-02-05.

Submissions (2):

Dasa
Classification: Likely pathogenic. Last evaluated: 2026-02-05. Review status: criteria provided, single submitter. Criteria: DASA Assertion Criteria. Collection method: clinical testing. Allele origin: germline.
Comment: NM_001080453.3(INTS1):c.544G>T (p.Glu182*) is a nonsense variant in INTS1 predicted to introduce a premature termination codon and is predicted to result in an absent or altered protein product. Loss of function is an established disease mechanism for INTS1-associated disorders. Also, this variant is rare in population databases. Based on the currently available evidence, this variant is classified as likely pathogenic.

Laboratorio de Genetica e Diagnostico Molecular, Hospital Israelita Albert Einstein
Classification: Likely pathogenic. Last evaluated: 2019-04-22. Review status: criteria provided, single submitter. Criteria: ACMG Guidelines, 2015. Collection method: clinical testing. Allele origin: germline. Affected: yes.
Comment: ACMG classification criteria: PVS1, PM2

NM_001080453.3(INTS1):c.544G>T (p.Glu182Ter)

Gene: INTS1 (integrator complex subunit 1; minus strand). Cytogenetic location: 7p22.3.
Variant type: single nucleotide variant.
Coding change: c.544G>T on transcript NM_001080453.3 (MANE Select); coding-DNA position 544, G replaced by T.
Protein change: p.Glu182Ter; replaces glutamic acid 182 with a stop codon.
Molecular consequence: nonsense.
Genome position (GRCh38, 1-based): chr7:1,500,172, C>A on the plus strand (G>T on the coding strand, the complement: INTS1 is on the minus strand). VCF-style: chr7-1500172-C-A. GRCh37 (hg19) VCF-style: chr7-1539808-C-A.
Other names: short protein forms E182*.
Identifiers: ClinVar variation 1690772 (VCV001690772.4), dbSNP rs2128544907, ClinGen allele CA366596503.